The following is an entry in ClinVar:

NM_001365480.1(CCDC88A):c.1584C>T (p.Ser528=)

Gene: CCDC88A (coiled-coil and HOOK domain protein 88A; minus strand). Cytogenetic location: 2p16.1.
Variant type: single nucleotide variant.
Coding change: c.1584C>T on transcript NM_001365480.1 (MANE Select); coding-DNA position 1584, C replaced by T.
Protein change: p.Ser528=; no amino-acid change (serine 528 retained).
Molecular consequence: synonymous variant.
Genome position (GRCh38, 1-based): chr2:55,336,753, G>A on the plus strand (C>T on the coding strand, the complement: CCDC88A is on the minus strand). VCF-style: chr2-55336753-G-A. GRCh37 (hg19) VCF-style: chr2-55563889-G-A.
Other names: c.1584C>T, p.Ser528= (NM_001135597.2, NM_001254943.2, NM_018084.5).
Identifiers: ClinVar variation 2050181 (VCV002050181.4), dbSNP rs1274862659, ClinGen allele CA426153391.

ClinVar aggregate classification (germline): Uncertain significance (1 of 4 stars; one submission).

Allele frequency attached by ClinVar (database versions not stated): gnomAD 0.00001; gnomAD exomes 0.00001.
gnomAD v4.1: 18 of 1,586,112 alleles (0.0011%); highest among the groups gnomAD compares: Non-Finnish European, 0.0015%; no homozygotes.

Submission:

Labcorp Genetics (formerly Invitae), Labcorp
Classification: Uncertain significance. Last evaluated: 2022-04-15. Review status: criteria provided, single submitter. Criteria: Invitae Variant Classification Sherloc (09022015). Collection method: clinical testing. Allele origin: germline.
Comment: In summary, the available evidence is currently insufficient to determine the role of this variant in disease. Therefore, it has been classified as a Variant of Uncertain Significance. Algorithms developed to predict the effect of sequence changes on RNA splicing suggest that this variant may create or strengthen a splice site. This variant has not been reported in the literature in individuals affected with CCDC88A-related conditions. This variant is present in population databases (no rsID available, gnomAD 0.002%). This sequence change affects codon 528 of the CCDC88A mRNA. It is a 'silent' change, meaning that it does not change the encoded amino acid sequence of the CCDC88A protein.